The following is an entry in ClinVar:

ClinVar aggregate classification (germline): Pathogenic (1 of 4 stars; one submission).

Conditions:
Aniridia 1 (AN1). Identifiers: Orphanet 250923, MedGen C0344542, MONDO:0024507, OMIM 106210.
Irido-corneo-trabecular dysgenesis (ASGD5). Also called: ANTERIOR SEGMENT DYSGENESIS 5. Identifiers: Orphanet 708, MedGen C0344559, MONDO:0011414, OMIM 604229, HP:0000659.

Submission:

Labcorp Genetics (formerly Invitae), Labcorp
Classification: Pathogenic for Aniridia 1; Irido-corneo-trabecular dysgenesis. Last evaluated: 2025-06-08. Review status: criteria provided, single submitter. Criteria: Invitae Variant Classification Sherloc (09022015). Collection method: clinical testing. Allele origin: germline.
Comment: This sequence change creates a premature translational stop signal (p.Arg38Glyfs*8) in the PAX6 gene. It is expected to result in an absent or disrupted protein product. Loss-of-function variants in PAX6 are known to be pathogenic (PMID: 12634864). This variant is not present in population databases (gnomAD no frequency). This variant has not been reported in the literature in individuals affected with PAX6-related conditions. For these reasons, this variant has been classified as Pathogenic.

Literature cited by the submitters: PubMed 12634864.

NM_001368894.2(PAX6):c.112_140del (p.Arg38fs)

Gene: PAX6 (paired box 6; minus strand). Cytogenetic location: 11p13.
Variant type: Deletion.
Coding change: c.112_140del on transcript NM_001368894.2 (MANE Select); coding-DNA positions 112 to 140, 29 bases deleted (CGGCCGTGCGACATTTCCCGAATTCTGCA).
Protein change: p.Arg38fs; shifts the reading frame from arginine 38.
Molecular consequence: frameshift variant. On other transcripts: 5 prime UTR variant (12), non-coding transcript variant (2), intron variant (2).
Genome position (GRCh38, 1-based): chr11:31,802,705-31,802,733, TGCAGAATTCGGGAAATGTCGCACGGCCG deleted on the plus strand (CGGCCGTGCGACATTTCCCGAATTCTGCA on the coding strand, the reverse complement: PAX6 is on the minus strand). VCF-style (leftmost placement, unchanged base first): chr11-31802704-CTGCAGAATTCGGGAAATGTCGCACGGCCG-C. GRCh37 (hg19) VCF-style: chr11-31824252-CTGCAGAATTCGGGAAATGTCGCACGGCCG-C.
Other names: c.112_140del, p.Arg38fs (NM_000280.6, NM_001127612.3, NM_001258462.3 and 30 more transcripts); c.-670_-642del (NM_001310160.2, NM_001368905.2); c.-339_-311del (NM_001310161.3, NM_001368900.2, NM_001368903.2 and 2 more transcripts); c.-297_-269del (NM_001368899.2, NM_001368901.2, NM_001368906.2 and 1 more transcripts); c.-628_-600del (NM_001368902.2); c.355_383del, p.Arg119fs (NM_001368910.2); c.115_143del, p.Arg39fs (NM_001368911.2); c.-267-957_-267-929del (NM_001368909.2, NM_001368904.2); short protein forms R39fs, R119fs, R38fs.
Identifiers: ClinVar variation 4785229 (VCV004785229.1).